The following is an entry in ClinVar:

NM_016729.3(FOLR1):c.92C>G (p.Thr31Ser)

Genes: FOLR1 (folate receptor alpha; plus strand), FOLR1-AS1 (FOLR1 antisense RNA 1; minus strand). Cytogenetic location: 11q13.4.
Variant type: single nucleotide variant.
Coding change: c.92C>G on transcript NM_016729.3 (MANE Select); coding-DNA position 92, C replaced by G.
Protein change: p.Thr31Ser; replaces threonine 31 with serine.
Molecular consequence: missense variant.
Genome position (GRCh38, 1-based): chr11:72,192,265, C>G. VCF-style: chr11-72192265-C-G. GRCh37 (hg19) VCF-style: chr11-71903309-C-G.
Other names: c.92C>G, p.Thr31Ser (NM_000802.3, NM_016724.3, NM_016725.3); short protein forms T31S.
Identifiers: ClinVar variation 1464643 (VCV001464643.3), dbSNP rs1304635865, ClinGen allele CA381729499.

ClinVar aggregate classification (germline): Uncertain significance (1 of 4 stars; one submission).

Conditions:
Cerebral folate transport deficiency. Also called: NEURODEGENERATION DUE TO CEREBRAL FOLATE TRANSPORT DEFICIENCY; FOLR1-Related Cerebral Folate Transport Deficiency; FOLATE RECEPTOR DEFICIENCY; Cerebral folate deficiency syndrome; Neurodegenerative syndrome due to cerebral folate transport deficiency. Identifiers: Orphanet 217382, MedGen C2751584, MONDO:0013110, OMIM 613068. Disease mechanism: loss of function.

gnomAD v4.1: 9 of 1,614,164 alleles (0.00056%); highest among the groups gnomAD compares: Non-Finnish European, 0.00076%; no homozygotes.

Submission:

Labcorp Genetics (formerly Invitae), Labcorp
Classification: Uncertain significance for Cerebral folate transport deficiency. Last evaluated: 2021-07-31. Review status: criteria provided, single submitter. Criteria: Invitae Variant Classification Sherloc (09022015). Collection method: clinical testing. Allele origin: germline.
Comment: This sequence change replaces threonine with serine at codon 31 of the FOLR1 protein (p.Thr31Ser). The threonine residue is moderately conserved and there is a small physicochemical difference between threonine and serine. This variant is not present in population databases (ExAC no frequency). This variant has not been reported in the literature in individuals affected with FOLR1-related conditions. Algorithms developed to predict the effect of missense changes on protein structure and function (SIFT, PolyPhen-2, Align-GVGD) all suggest that this variant is likely to be tolerated. Algorithms developed to predict the effect of sequence changes on RNA splicing suggest that this variant may create or strengthen a splice site. In summary, the available evidence is currently insufficient to determine the role of this variant in disease. Therefore, it has been classified as a Variant of Uncertain Significance.